The following is an entry in ClinVar:

ClinVar aggregate classification (germline): Conflicting classifications of pathogenicity. Review status: criteria provided, conflicting classifications (1 of 4 stars). 8 submissions from 6 submitters: Uncertain significance (4); Likely benign (3). 1 of the submissions does not count toward it. Last evaluated 2026-02-01.

Conditions:
Retinal dystrophy. Also called: Inherited retinal dystrophy. Identifiers: Orphanet 71862, MedGen C0854723, MeSH D058499, MONDO:0019118, HP:0000556.
Nephronophthisis. Also called: Juvenile Nephronophthisis. Identifiers: Orphanet 655, MedGen C0687120, MONDO:0019005, HP:0000090.
Nephronophthisis 1 (NPHP1). Also called: Nephronophthisis familial juvenile. Identifiers: Orphanet 655, Orphanet 93592, MedGen C1855681, MONDO:0009728, OMIM 256100.
Senior-Loken syndrome 1 (SLSN1). Also called: JUVENILE NEPHRONOPHTHISIS WITH LEBER AMAUROSIS. Identifiers: Orphanet 3156, MedGen C4551559, MONDO:0009962, OMIM 266900.
Joubert syndrome with renal defect. Also called: JOUBERT SYNDROME 4. Identifiers: Orphanet 220497, MedGen C1846790, MONDO:0012308, OMIM 609583.

Allele frequency attached by ClinVar (database versions not stated): 1000 Genomes Project 30x 0.00016; 1000 Genomes Project 0.00020; ExAC 0.00022; gnomAD exomes 0.00026 and 0.00066; TOPMed 0.00036; ESP Exome Variant Server 0.00038; gnomAD 0.00039 and 0.00040.
gnomAD v4.1: 1,053 of 1,613,254 alleles (0.065%); highest among the groups gnomAD compares: Non-Finnish European, 0.082%; 4 homozygotes.

Submissions (8):

CeGaT Center for Human Genetics Tuebingen
Classification: Likely benign. Last evaluated: 2026-02-01. Review status: criteria provided, single submitter. Criteria: CeGaT Center For Human Genetics Tuebingen Variant Classification Criteria Version 2. Collection method: clinical testing. Allele origin: germline. Affected: yes. Observed: 3 variant alleles.
Comment: NPHP1: BP4, BP7

Labcorp Genetics (formerly Invitae), Labcorp
Classification: Likely benign for Nephronophthisis. Last evaluated: 2026-01-28. Review status: criteria provided, single submitter. Criteria: Invitae Variant Classification Sherloc (09022015). Collection method: clinical testing. Allele origin: germline.

Blueprint Genetics
Classification: Likely benign. Last evaluated: 2024-09-23. Review status: criteria provided, single submitter. Criteria: ACMG Guidelines, 2015. Collection method: clinical testing. Allele origin: germline.

Illumina Laboratory Services, Illumina
Classification: Uncertain significance for Nephronophthisis 1. Last evaluated: 2018-01-13. Review status: criteria provided, single submitter. Criteria: ICSL Variant Classification Criteria 13 December 2019. Collection method: clinical testing. Allele origin: germline.

Illumina Laboratory Services, Illumina
Classification: Uncertain significance for Joubert syndrome with renal defect. Last evaluated: 2018-01-13. Review status: criteria provided, single submitter. Criteria: ICSL Variant Classification Criteria 13 December 2019. Collection method: clinical testing. Allele origin: germline.

Illumina Laboratory Services, Illumina
Classification: Uncertain significance for Senior-Loken syndrome 1. Last evaluated: 2018-01-13. Review status: criteria provided, single submitter. Criteria: ICSL Variant Classification Criteria 13 December 2019. Collection method: clinical testing. Allele origin: germline.

Eurofins Ntd Llc (ga)
Classification: Uncertain significance. Last evaluated: 2016-09-29. Review status: criteria provided, single submitter. Criteria: EGL Classification Definitions 2015. Collection method: clinical testing. Allele origin: germline. Observed: 2 variant alleles, 2 heterozygotes.

Institute of Human Genetics, Univ. Regensburg, Univ. Regensburg
Classification: Uncertain significance for Retinal dystrophy. Last evaluated: 2022-01-01. Review status: no assertion criteria provided. Criteria: ACMG Guidelines, 2015. Collection method: clinical testing. Allele origin: germline. Affected: yes. Not counted in ClinVar's aggregate classification.

NM_001128178.3(NPHP1):c.801G>A (p.Thr267=)

Gene: NPHP1 (nephrocystin 1; minus strand). Cytogenetic location: 2q13.
Variant type: single nucleotide variant.
Coding change: c.801G>A on transcript NM_001128178.3 (MANE Select); coding-DNA position 801, G replaced by A.
Protein change: p.Thr267=; no amino-acid change (threonine 267 retained).
Molecular consequence: synonymous variant.
Genome position (GRCh38, 1-based): chr2:110,163,106, C>T on the plus strand (G>A on the coding strand, the complement: NPHP1 is on the minus strand). VCF-style: chr2-110163106-C-T. GRCh37 (hg19) VCF-style: chr2-110920683-C-T.
Other names: c.969G>A, p.Thr323= (NM_000272.5); c.612G>A, p.Thr204= (NM_001128179.3); c.798G>A, p.Thr266= (NM_001374256.1); c.801G>A, p.Thr267= (NM_001374257.1); c.966G>A, p.Thr322= (NM_207181.4).
Identifiers: ClinVar variation 330734 (VCV000330734.34), dbSNP rs141763330, ClinGen allele CA1827219.